The following is an entry in ClinVar:

NM_022114.4(PRDM16):c.2310G>C (p.Glu770Asp)

Gene: PRDM16 (PR/SET domain 16; plus strand). Cytogenetic location: 1p36.32.
Variant type: single nucleotide variant.
Coding change: c.2310G>C on transcript NM_022114.4 (MANE Select); coding-DNA position 2310, G replaced by C.
Protein change: p.Glu770Asp; replaces glutamic acid 770 with aspartic acid.
Molecular consequence: missense variant.
Genome position (GRCh38, 1-based): chr1:3,412,507, G>C. VCF-style: chr1-3412507-G-C. GRCh37 (hg19) VCF-style: chr1-3329071-G-C.
Other names: c.2310G>C, p.Glu770Asp (NM_199454.3); short protein forms E770D.
Identifiers: ClinVar variation 1494671 (VCV001494671.6), dbSNP rs1643709736, ClinGen allele CA338000104.
Genomic context (GRCh38, chr1:3,412,507, plus strand): 5'-GGTCAAGGCCGAGCCAAAGTCACCCCGGGACGCCCTCAAGGTGGGCGGCCCCAGTGCCGA[G>C]TGCCCCTTTGATCTCACCACCAAGCCCAAAGACGTGAAGCCCATCCTGCCCATGCCCAAG-3'
Protein context (NP_071397.3, residues 760-780): DALKVGGPSA[Glu770Asp]CPFDLTTKPK

ClinVar aggregate classification (germline): Uncertain significance (1 of 4 stars; one submission).

Conditions:
Left ventricular noncompaction 8 (LVNC8). Identifiers: Orphanet 154, Orphanet 54260, MedGen C3809288, MONDO:0014152, OMIM 615373.

Submission:

Labcorp Genetics (formerly Invitae), Labcorp
Classification: Uncertain significance for Left ventricular noncompaction 8. Last evaluated: 2021-11-01. Review status: criteria provided, single submitter. Criteria: Invitae Variant Classification Sherloc (09022015). Collection method: clinical testing. Allele origin: germline.
Comment: In summary, the available evidence is currently insufficient to determine the role of this variant in disease. Therefore, it has been classified as a Variant of Uncertain Significance. Algorithms developed to predict the effect of missense changes on protein structure and function are either unavailable or do not agree on the potential impact of this missense change (SIFT: "Deleterious"; PolyPhen-2: "Benign"; Align-GVGD: "Class C35"). This variant has not been reported in the literature in individuals affected with PRDM16-related conditions. This variant is not present in population databases (gnomAD no frequency). This sequence change replaces glutamic acid, which is acidic and polar, with aspartic acid, which is acidic and polar, at codon 770 of the PRDM16 protein (p.Glu770Asp).